The following is an entry in ClinVar:

ClinVar aggregate classification (germline): Likely pathogenic. Review status: criteria provided, multiple submitters, no conflicts (2 of 4 stars). 2 submissions from 2 submitters: Likely pathogenic (2). Last evaluated 2026-08-08.

Conditions:
Dilated cardiomyopathy 1G (CMD1G). Identifiers: Orphanet 154, MedGen C1858763, MONDO:0011400, OMIM 604145.
Autosomal recessive limb-girdle muscular dystrophy type 2J (LGMDR10). Also called: Limb-girdle muscular dystrophy, type 2J; MUSCULAR DYSTROPHY, LIMB-GIRDLE, AUTOSOMAL RECESSIVE 10. Identifiers: Orphanet 140922, MedGen C1837342, MONDO:0012127, OMIM 608807.
Cardiovascular phenotype. Identifiers: MedGen CN230736.

Submissions (2):

Ambry Genetics
Classification: Likely pathogenic for Cardiovascular phenotype. Last evaluated: 2026-08-08. Review status: criteria provided, single submitter. Criteria: Ambry Variant Classification Scheme 2023. Collection method: clinical testing. Allele origin: germline.
Comment: The c.17256delT (p.H5753Ifs*5) alteration, located in exon 69 (coding exon 68) of the TTN gene, consists of a deletion of one nucleotide at position 17256, causing a translational frameshift with a predicted alternate stop codon after 5 amino acids. This variant is expected to result in loss of function by premature protein truncation or nonsense-mediated mRNA decay. This variant was not reported in population-based cohorts in the Genome Aggregation Database (gnomAD). This exon is located in the I-band region of the N2-B isoform of the titin protein and is constitutively expressed in TTN transcripts (percent spliced in or PSI 100%). While truncating variants in TTN are present in 1-3% of the general population, truncating variants in the A-band are the most common cause of dilated cardiomyopathy (Herman, 2012; Roberts, 2015). TTN truncating variants encoded in constitutive exons (PSI >90%) have been found to be significantly associated with DCM regardless of their position in titin (Schafer, 2017; Akhtar, 2020; Massier, 2025). Based on the available evidence, this alteration is classified as likely pathogenic.

Labcorp Genetics (formerly Invitae), Labcorp
Classification: Likely pathogenic for Dilated cardiomyopathy 1G; Autosomal recessive limb-girdle muscular dystrophy type 2J. Last evaluated: 2024-05-28. Review status: criteria provided, single submitter. Criteria: Invitae Variant Classification Sherloc (09022015). Collection method: clinical testing. Allele origin: germline.
Comment: This sequence change creates a premature translational stop signal (p.His14818Ilefs*5) in the TTN gene. While this is not anticipated to result in nonsense mediated decay, it is expected to create a truncated TTN protein. This variant is not present in population databases (gnomAD no frequency). This variant has not been reported in the literature in individuals affected with TTN-related conditions. This variant is located in the I band of TTN (PMID: 25589632). Non-truncating variants in this region may be clinically relevant, but have not been definitively shown to cause cardiomyopathy or neuromuscular disease (PMID: 27493940, 32778822). In summary, the currently available evidence indicates that the variant is pathogenic, but additional data are needed to prove that conclusively. Therefore, this variant has been classified as Likely Pathogenic.

Literature cited by the submitters: PubMed 22335739 (cited by Ambry Genetics); PubMed 25589632 (cited by Ambry Genetics and Labcorp Genetics (formerly Invitae), Labcorp); PubMed 27869827 (cited by Ambry Genetics); PubMed 32964742 (cited by Ambry Genetics); PubMed 39844436 (cited by Ambry Genetics); PubMed 27493940 (cited by Labcorp Genetics (formerly Invitae), Labcorp); PubMed 32778822 (cited by Labcorp Genetics (formerly Invitae), Labcorp).

NM_001267550.2(TTN):c.44451del (p.His14818fs)

Gene: TTN (titin; minus strand). Cytogenetic location: 2q31.2.
Variant type: Deletion.
Coding change: c.44451del on transcript NM_001267550.2 (MANE Select); coding-DNA position 44451, one base deleted (T; older notation c.44451delT).
Protein change: p.His14818fs; shifts the reading frame from histidine 14818.
Molecular consequence: frameshift variant.
Genome position (GRCh38, 1-based): chr2:178,625,370, A deleted on the plus strand (T on the coding strand, the reverse complement: TTN is on the minus strand); the first of 2 consecutive A bases (chr2:178,625,370-178,625,371); deleting either gives the same sequence. VCF-style (leftmost placement, unchanged base first): chr2-178625369-GA-G. GRCh37 (hg19) VCF-style: chr2-179490096-GA-G.
Other names: c.39528del, p.His13177fs (NM_001256850.1); c.17256del, p.His5753fs (NM_003319.4); c.36747del, p.His12250fs (NM_133378.4); c.17631del, p.His5878fs (NM_133432.3); c.17832del, p.His5945fs (NM_133437.4); c.17256delT (NM_003319.4); short protein forms H12250fs, H13177fs, H14818fs, H5753fs, H5878fs, H5945fs.
Identifiers: ClinVar variation 3756584 (VCV003756584.3).